The following is an entry in ClinVar:

ClinVar aggregate classification (germline): Uncertain significance (1 of 4 stars; one submission).

gnomAD v4.1: 12 of 1,613,222 alleles (0.00074%); highest among the groups gnomAD compares: Non-Finnish European, 0.001%; no homozygotes.

Submission:

Ambry Genetics
Classification: Uncertain significance. Last evaluated: 2026-08-04. Review status: criteria provided, single submitter. Criteria: Ambry Variant Classification Scheme 2023. Collection method: clinical testing. Allele origin: germline.
Comment: The c.290C>T (p.T97I) alteration is located in exon 6 (coding exon 2) of the GGT1 gene. This alteration results from a C to T substitution at nucleotide position 290, causing the threonine (T) at amino acid position 97 to be replaced by an isoleucine (I). Based on data from gnomAD, the T allele has an overall frequency of 0.001% (2/278790) total alleles studied. The highest observed frequency was 0.004% (1/23712) of African alleles. Based on insufficient or conflicting evidence, the clinical significance of this alteration remains unclear.

NM_001288833.2(GGT1):c.290C>T (p.Thr97Ile)

Gene: GGT1 (gamma-glutamyltransferase 1; plus strand). Cytogenetic location: 22q11.23.
Variant type: single nucleotide variant.
Coding change: c.290C>T on transcript NM_001288833.2 (MANE Select); coding-DNA position 290, C replaced by T.
Protein change: p.Thr97Ile; replaces threonine 97 with isoleucine.
Molecular consequence: missense variant.
Genome position (GRCh38, 1-based): chr22:24,614,901, C>T. VCF-style: chr22-24614901-C-T. GRCh37 (hg19) VCF-style: chr22-25010868-C-T.
Other names: NM_005265.2:c.290C>T; c.290C>T, p.Thr97Ile (NM_013421.3, NM_013430.3); short protein forms T97I.
Identifiers: ClinVar variation 5022414 (VCV005022414.1).
Genomic context (GRCh38, chr22:24,614,901, plus strand): 5'-TCATGAATGCCCACAGCATGGGCATCGGGGGTGGCCTCTTCCTCACCATCTACAACAGCA[C>T]CACACGTGAGTGCCTCGGGAGAGGAGAGGGAGAGGGGCAGGGGGTGTGGGTTGGGCCGAG-3'
Protein context (NP_001275762.1, residues 87-107): GGLFLTIYNS[Thr97Ile]TRKAEVINAR